The following is an entry in ClinVar:

ClinVar aggregate classification (germline): Uncertain significance (1 of 4 stars; one submission).

Conditions:
Hereditary cancer-predisposing syndrome. Also called: Neoplastic Syndromes, Hereditary; Tumor predisposition; Hereditary Cancer Syndrome; Hereditary neoplastic syndrome. Identifiers: Orphanet 140162, MedGen C0027672, MeSH D009386, MONDO:0015356.

Submission:

Ambry Genetics
Classification: Uncertain significance for Hereditary cancer-predisposing syndrome. Last evaluated: 2025-10-16. Review status: criteria provided, single submitter. Criteria: Ambry Variant Classification Scheme 2023. Collection method: clinical testing. Allele origin: germline.
Comment: The p.G1391R variant (also known as c.4171G>C), located in coding exon 21 of the BLM gene, results from a G to C substitution at nucleotide position 4171. The glycine at codon 1391 is replaced by arginine, an amino acid with dissimilar properties. This amino acid position is conserved. In addition, this alteration is predicted to be tolerated by in silico analysis. Based on the available evidence, the clinical significance of this variant remains unclear.

NM_000057.4(BLM):c.4171G>C (p.Gly1391Arg)

Gene: BLM (BLM RecQ like helicase; plus strand). Cytogenetic location: 15q26.1.
Variant type: single nucleotide variant.
Coding change: c.4171G>C on transcript NM_000057.4 (MANE Select); coding-DNA position 4171, G replaced by C.
Protein change: p.Gly1391Arg; replaces glycine 1391 with arginine.
Molecular consequence: missense variant.
Genome position (GRCh38, 1-based): chr15:90,815,196, G>C. VCF-style: chr15-90815196-G-C. GRCh37 (hg19) VCF-style: chr15-91358426-G-C.
Other names: c.4171G>C, p.Gly1391Arg (NM_001287246.2); c.3778G>C, p.Gly1260Arg (NM_001287247.2); c.3046G>C, p.Gly1016Arg (NM_001287248.2); short protein forms G1016R, G1260R, G1391R.
Identifiers: ClinVar variation 4622660 (VCV004622660.1).